The following is an entry in ClinVar:

ClinVar aggregate classification (germline): Uncertain significance (1 of 4 stars; one submission).

Conditions:
Cardiomyopathy (CMYO). Also called: Cardiomyopathies. Identifiers: Orphanet 167848, MedGen C0878544, MONDO:0004994, HP:0001638. Inheritance: Various modes of inheritance.

Submission:

Color Diagnostics, LLC DBA Color Health
Classification: Uncertain significance for Cardiomyopathy. Last evaluated: 2024-07-26. Review status: criteria provided, single submitter. Criteria: ACMG Guidelines, 2015. Collection method: clinical testing. Allele origin: germline.
Comment: This missense variant replaces serine with proline at codon 359 of the DSC2 protein. Computational prediction suggests that this variant may not impact protein structure and function (internally defined REVEL score threshold <= 0.5, PMID: 27666373). To our knowledge, functional studies have not been reported for this variant. This variant has not been reported in individuals affected with DSC2-related disorders in the literature. This variant has not been identified in the general population by the Genome Aggregation Database (gnomAD). The available evidence is insufficient to determine the role of this variant in disease conclusively. Therefore, this variant is classified as a Variant of Uncertain Significance.

NM_024422.6(DSC2):c.1075T>C (p.Ser359Pro)

Gene: DSC2 (desmocollin 2; minus strand). Cytogenetic location: 18q12.1.
Variant type: single nucleotide variant.
Coding change: c.1075T>C on transcript NM_024422.6 (MANE Select); coding-DNA position 1075, T replaced by C.
Protein change: p.Ser359Pro; replaces serine 359 with proline.
Molecular consequence: missense variant.
Genome position (GRCh38, 1-based): chr18:31,082,928, A>G on the plus strand (T>C on the coding strand, the complement: DSC2 is on the minus strand). VCF-style: chr18-31082928-A-G. GRCh37 (hg19) VCF-style: chr18-28662894-A-G.
Other names: c.646T>C, p.Ser216Pro (NM_001406506.1, NM_001406507.1); c.1075T>C, p.Ser359Pro (NM_004949.5); short protein forms S216P, S359P.
Identifiers: ClinVar variation 3894336 (VCV003894336.1).